The following is an entry in ClinVar:

NM_001291746.2(REL):c.115C>T (p.His39Tyr)

Gene: REL (REL proto-oncogene, NF-kB subunit; plus strand). Cytogenetic location: 2p16.1.
Variant type: single nucleotide variant.
Coding change: c.115C>T on transcript NM_001291746.2 (MANE Select); coding-DNA position 115, C replaced by T.
Protein change: p.His39Tyr; replaces histidine 39 with tyrosine.
Molecular consequence: missense variant.
Genome position (GRCh38, 1-based): chr2:60,891,787, C>T. VCF-style: chr2-60891787-C-T. GRCh37 (hg19) VCF-style: chr2-61118922-C-T.
Other names: c.115C>T, p.His39Tyr (NM_001438025.1, NM_002908.4); short protein forms H39Y.
Identifiers: ClinVar variation 4769283 (VCV004769283.1).
Genomic context (GRCh38, chr2:60,891,787, plus strand): 5'-AGGGGAATGCGTTTTAGATACAAATGTGAAGGGCGATCAGCAGGCAGCATTCCAGGGGAG[C>T]ACAGCACAGACAACAACCGAACATACCCTTCTATCCAGGTAATAGACCCTTCTTCTGTGT-3'
Protein context (NP_001278675.1, residues 29-49): GRSAGSIPGE[His39Tyr]STDNNRTYPS

ClinVar aggregate classification (germline): Uncertain significance (1 of 4 stars; one submission).

Submission:

Labcorp Genetics (formerly Invitae), Labcorp
Classification: Uncertain significance. Last evaluated: 2025-07-15. Review status: criteria provided, single submitter. Criteria: Invitae Variant Classification Sherloc (09022015). Collection method: clinical testing. Allele origin: germline.
Comment: This sequence change replaces histidine, which is basic and polar, with tyrosine, which is neutral and polar, at codon 39 of the REL protein (p.His39Tyr). This variant is not present in population databases (gnomAD no frequency). This variant has not been reported in the literature in individuals affected with REL-related conditions. An algorithm developed to predict the effect of missense changes on protein structure and function (PolyPhen-2) suggests that this variant is likely to be disruptive. In summary, the available evidence is currently insufficient to determine the role of this variant in disease. Therefore, it has been classified as a Variant of Uncertain Significance.